The following is an entry in ClinVar:

ClinVar aggregate classification (germline): Uncertain significance (1 of 4 stars; one submission).

Allele frequency attached by ClinVar (database versions not stated): TOPMed 0.00001; gnomAD 0.00007; gnomAD exomes 0.00008; ExAC 0.00016; 1000 Genomes Project 30x 0.00094; 1000 Genomes Project 0.00120.
gnomAD v4.1: 135 of 1,614,016 alleles (0.0084%); highest among the groups gnomAD compares: South Asian, 0.11%; 1 homozygote.

Submission:

Labcorp Genetics (formerly Invitae), Labcorp
Classification: Uncertain significance. Last evaluated: 2023-06-07. Review status: criteria provided, single submitter. Criteria: Invitae Variant Classification Sherloc (09022015). Collection method: clinical testing. Allele origin: germline.
Comment: In summary, the available evidence is currently insufficient to determine the role of this variant in disease. Therefore, it has been classified as a Variant of Uncertain Significance. Advanced modeling of protein sequence and biophysical properties (such as structural, functional, and spatial information, amino acid conservation, physicochemical variation, residue mobility, and thermodynamic stability) has been performed at Invitae for this missense variant, however the output from this modeling did not meet the statistical confidence thresholds required to predict the impact of this variant on FAT2 protein function. This variant has not been reported in the literature in individuals affected with FAT2-related conditions. This variant is present in population databases (rs200661496, gnomAD 0.08%), and has an allele count higher than expected for a pathogenic variant. This sequence change replaces arginine, which is basic and polar, with tryptophan, which is neutral and slightly polar, at codon 2202 of the FAT2 protein (p.Arg2202Trp).

NM_001447.3(FAT2):c.6604C>T (p.Arg2202Trp)

Genes: FAT2 (FAT atypical cadherin 2; minus strand), SLC36A1 (solute carrier family 36 member 1; plus strand). Cytogenetic location: 5q33.1.
Variant type: single nucleotide variant.
Coding change: c.6604C>T on transcript NM_001447.3 (MANE Select); coding-DNA position 6604, C replaced by T.
Protein change: p.Arg2202Trp; replaces arginine 2202 with tryptophan.
Molecular consequence: missense variant.
Genome position (GRCh38, 1-based): chr5:151,544,523, G>A on the plus strand (C>T on the coding strand, the complement: FAT2 is on the minus strand). VCF-style: chr5-151544523-G-A. GRCh37 (hg19) VCF-style: chr5-150924084-G-A.
Other names: short protein forms R2202W.
Identifiers: ClinVar variation 2747986 (VCV002747986.3), dbSNP rs200661496, ClinGen allele CA3521079.